The following is an entry in ClinVar:

NM_022455.5(NSD1):c.6871_6873delinsTAT (p.Gln2291Tyr)

Gene: NSD1 (nuclear receptor binding SET domain protein 1; plus strand). Cytogenetic location: 5q35.3.
Variant type: Indel.
Coding change: c.6871_6873delinsTAT on transcript NM_022455.5 (MANE Select); coding-DNA positions 6871 to 6873, CAG replaced by TAT.
Protein change: p.Gln2291Tyr; replaces glutamine 2291 with tyrosine.
Molecular consequence: missense variant.
Genome position (GRCh38, 1-based): chr5:177,294,239-177,294,241, CAG replaced by TAT. VCF-style: chr5-177294239-CAG-TAT. GRCh37 (hg19) VCF-style: chr5-176721240-CAG-TAT.
Other names: c.5998_6000delCAGinsTAT, p.Gln2000Tyr (NM_001365684.2, NM_001409308.1, NM_172349.5); c.6871_6873delCAGinsTAT, p.Gln2291Tyr (NM_001409301.1, NM_001409302.1, NM_001409303.1 and 1 more transcripts); c.6451_6453delCAGinsTAT, p.Gln2151Tyr (NM_001409304.1); c.6118_6120delCAGinsTAT, p.Gln2040Tyr (NM_001409305.1); c.6109_6111delCAGinsTAT, p.Gln2037Tyr (NM_001409306.1, NM_001409307.1); c.5749_5751delCAGinsTAT, p.Gln1917Tyr (NM_001409309.1); short protein forms Q2022Y, Q2291Y, Q2151Y, Q2000Y, Q2040Y, Q1917Y, Q2037Y.
Identifiers: ClinVar variation 1334026 (VCV001334026.3), dbSNP rs2127280285, ClinGen allele CA2573052480.

ClinVar aggregate classification (germline): Uncertain significance. Review status: criteria provided, multiple submitters, no conflicts (2 of 4 stars). 2 submissions from 2 submitters: Uncertain significance (2). Last evaluated 2022-05-16.

Conditions:
Sotos syndrome (SOTOS). Also called: CHROMOSOME 5q35 DELETION SYNDROME; SOTOS SYNDROME 1; Distinctive facial appearance, overgrowth in childhood, and learning disabilities or delayed development; CEREBRAL GIGANTISM; Sotos' syndrome. Identifiers: Orphanet 821, MedGen C0175695, MONDO:0019349, OMIM 117550.

Submissions (2):

Laboratory of Medical Genetics, National & Kapodistrian University of Athens
Classification: Uncertain significance for Sotos syndrome. Last evaluated: 2022-05-16. Review status: criteria provided, single submitter. Criteria: ACMG Guidelines, 2015. Collection method: clinical testing. Allele origin: germline. Affected: yes.
Comment: PM2, PP2

CENTOGENE GmbH and LLC - Guiding Precision Medicine
Classification: Uncertain significance for Sotos syndrome. Last evaluated: 2019-05-29. Review status: criteria provided, single submitter. Criteria: ACMG Guidelines, 2015. Collection method: clinical testing. Allele origin: germline. Affected: yes.